The following is an entry in ClinVar:

ClinVar aggregate classification (germline): Pathogenic/Likely pathogenic. Review status: criteria provided, multiple submitters, no conflicts (2 of 4 stars). 5 submissions from 5 submitters: Pathogenic (3); Likely pathogenic (1). 1 of the submissions does not count toward it. Last evaluated 2023-05-10.

Conditions:
Hereditary cancer-predisposing syndrome. Also called: Hereditary Cancer Syndrome; Hereditary neoplastic syndrome; Tumor predisposition; Neoplastic Syndromes, Hereditary. Identifiers: Orphanet 140162, MedGen C0027672, MeSH D009386, MONDO:0015356.
Familial adenomatous polyposis 1 (FAP1). Also called: FAMILIAL ADENOMATOUS POLYPOSIS 1, ATTENUATED; POLYPOSIS, ADENOMATOUS INTESTINAL. Identifiers: MedGen C2713442, MONDO:0021056, OMIM 175100. Disease mechanism: loss of function.

Submissions (5):

Myriad Genetics, Inc.
Classification: Pathogenic for Familial adenomatous polyposis 1. Last evaluated: 2023-05-10. Review status: criteria provided, single submitter. Criteria: Myriad Autosomal Dominant, Autosomal Recessive and X-Linked Classification Criteria (2023). Collection method: clinical testing. Allele origin: unknown.
Comment: This variant is considered pathogenic. This variant creates a frameshift predicted to result in premature protein truncation.

Labcorp Genetics (formerly Invitae), Labcorp
Classification: Pathogenic for Familial adenomatous polyposis 1. Last evaluated: 2022-01-01. Review status: criteria provided, single submitter. Criteria: Invitae Variant Classification Sherloc (09022015). Collection method: clinical testing. Allele origin: germline.
Comment: A different truncation (p.Tyr2645Lysfs*14) that lies downstream of this variant has been determined to be pathogenic (PMID: 9824584, 1316610, 27081525, 8381579, 22135120, Invitae). This suggests that deletion of this region of the APC protein is causative of disease. For these reasons, this variant has been classified as Pathogenic. ClinVar contains an entry for this variant (Variation ID: 548663). This premature translational stop signal has been observed in individual(s) with clinical features of familial adenomatous polyposis (FAP) (PMID: 20223039). This variant is expected to disrupt the EB1 and HDLG binding sites, which mediate interactions with the cytoskeleton (PMID: 15311282, 17293347). While functional studies have not been performed to directly test the effect on APC protein function, this suggests that disruption of the C-terminal portion of the protein is functionally important. This variant is not present in population databases (gnomAD no frequency). This sequence change creates a premature translational stop signal (p.Tyr1376Cysfs*9) in the APC gene. While this is not anticipated to result in nonsense mediated decay, it is expected to disrupt the last 1468 amino acid(s) of the APC protein.

MGZ Medical Genetics Center
Classification: Likely pathogenic for Familial adenomatous polyposis 1. Last evaluated: 2021-09-07. Review status: criteria provided, single submitter. Criteria: ACMG Guidelines, 2015. Collection method: clinical testing. Allele origin: germline. Affected: yes. Observed: 1 variant allele.
Comment: ACMG criteria applied: PVS1, PM2_SUP

Ambry Genetics
Classification: Pathogenic for Hereditary cancer-predisposing syndrome. Last evaluated: 2020-09-21. Review status: criteria provided, single submitter. Criteria: Ambry Variant Classification Scheme 2023. Collection method: clinical testing. Allele origin: germline.
Comment: The c.4127_4128delAT pathogenic mutation, located in coding exon 15 of the APC gene, results from a deletion of two nucleotides at nucleotide positions 4127 to 4128, causing a translational frameshift with a predicted alternate stop codon (p.Y1376Cfs*9). This alteration occurs at the 3' terminus of theAPC gene and is not expected to trigger nonsense-mediated mRNA decay. However, premature stop codons are typically deleterious in nature, the impacted region is critical for protein function, and a significant portion of the protein is affected (Ambry internal data). This pathogenic variant has been reported in several unrelated patients/families with a clinical diagnosis of FAP or AFAP (Friedl W et al. Hered Cancer Clin Pract. 2005 Sep;3:95-114; Aceto G et al. Hum. Mutat. 2005 Oct;26:394; Lagarde A et al. J. Med. Genet. 2010 Oct;47:721-2; Chen QW et al. Asian Pac. J. Cancer Prev. 2015;16:4915-20). This variant was not reported in population-based cohorts in the Genome Aggregation Database (gnomAD). Based on the supporting evidence, this alteration is interpreted as a disease-causing mutation.

Yale Center for Mendelian Genomics, Yale University
Classification: Pathogenic for Familial adenomatous polyposis 1. Last evaluated: 2015-11-27. Review status: no assertion criteria provided. Collection method: literature only. Allele origin: somatic. Affected: yes. Observed: 1 heterozygote. Not counted in ClinVar's aggregate classification.

Literature cited by the submitters: PubMed 9824584 (cited by Labcorp Genetics (formerly Invitae), Labcorp); PubMed 1316610 (cited by Labcorp Genetics (formerly Invitae), Labcorp); PubMed 27081525 (cited by Labcorp Genetics (formerly Invitae), Labcorp); PubMed 8381579 (cited by Labcorp Genetics (formerly Invitae), Labcorp); PubMed 22135120 (cited by Labcorp Genetics (formerly Invitae), Labcorp); PubMed 20223039 (cited by Labcorp Genetics (formerly Invitae), Labcorp and Ambry Genetics); PubMed 15311282 (cited by Labcorp Genetics (formerly Invitae), Labcorp); PubMed 17293347 (cited by Labcorp Genetics (formerly Invitae), Labcorp); PubMed 16134147 (cited by Ambry Genetics); PubMed 20685668 (cited by Ambry Genetics); PubMed 26163615 (cited by Ambry Genetics); PubMed 26613750 (cited by Yale Center for Mendelian Genomics, Yale University).

NM_000038.6(APC):c.4127_4128del (p.Tyr1376fs)

Gene: APC (APC regulator of Wnt signaling pathway; plus strand). Cytogenetic location: 5q22.2.
Variant type: Deletion.
Coding change: c.4127_4128del on transcript NM_000038.6 (MANE Select); coding-DNA positions 4127 to 4128, 2 bases deleted (AT; older notation c.4127_4128delAT).
Protein change: p.Tyr1376fs; shifts the reading frame from tyrosine 1376.
Molecular consequence: frameshift variant.
Genome position (GRCh38, 1-based): chr5:112,839,721-112,839,722, AT deleted; deleting any 2 consecutive bases within chr5:112,839,720-112,839,722 gives the same sequence; the c. name uses the placement nearest the transcript's 3' end. VCF-style (leftmost placement, unchanged base first): chr5-112839719-CTA-C. GRCh37 (hg19) VCF-style: chr5-112175416-CTA-C.
Other names: c.4127_4128del, p.Tyr1376fs (NM_001127510.3, NM_001354895.2); c.4073_4074del, p.Tyr1358fs (NM_001127511.3); c.4181_4182del, p.Tyr1394fs (NM_001354896.2); c.4157_4158del, p.Tyr1386fs (NM_001354897.2); c.4052_4053del, p.Tyr1351fs (NM_001354898.2); c.4043_4044del, p.Tyr1348fs (NM_001354899.2); c.4004_4005del, p.Tyr1335fs (NM_001354900.2); c.3950_3951del, p.Tyr1317fs (NM_001354901.2); and 5 more; short protein forms Y1250fs, Y1376fs, Y1386fs, Y1394fs, Y1093fs, Y1216fs, Y1275fs, Y1317fs.
Identifiers: ClinVar variation 548663 (VCV000548663.11), dbSNP rs1554085533, ClinGen allele CA645543740.